The following is an entry in ClinVar:

ClinVar aggregate classification (germline): Pathogenic (1 of 4 stars; one submission).

Conditions:
Lynch syndrome 5 (LYNCH5). Also called: Colorectal cancer, hereditary nonpolyposis, type 5; Hereditary non-polyposis colorectal cancer, type 5. Identifiers: Orphanet 144, MedGen C1833477, MONDO:0013710, OMIM 614350. Disease mechanism: loss of function.

Submission:

Myriad Genetics, Inc.
Classification: Pathogenic for Lynch syndrome 5. Last evaluated: 2023-06-21. Review status: criteria provided, single submitter. Criteria: Myriad Autosomal Dominant, Autosomal Recessive and X-Linked Classification Criteria (2023). Collection method: clinical testing. Allele origin: unknown.
Comment: This variant is considered pathogenic. This variant creates a frameshift predicted to result in premature protein truncation.

NM_000179.3(MSH6):c.3736del (p.Ser1246fs)

Gene: MSH6 (mutS homolog 6; plus strand). Cytogenetic location: 2p16.3.
Variant type: Deletion.
Coding change: c.3736del on transcript NM_000179.3 (MANE Select); coding-DNA position 3736, one base deleted (T; older notation c.3736delT).
Protein change: p.Ser1246fs; shifts the reading frame from serine 1246.
Molecular consequence: frameshift variant. On other transcripts: non-coding transcript variant (5).
Genome position (GRCh38, 1-based): chr2:47,806,293, T deleted; the last of 4 consecutive T bases (chr2:47,806,290-47,806,293); deleting any one gives the same sequence. VCF-style (leftmost placement, unchanged base first): chr2-47806289-AT-A. GRCh37 (hg19) VCF-style: chr2-48033428-AT-A.
Other names: c.3346del, p.Ser1116fs (NM_001281492.2); c.2830del, p.Ser944fs (NM_001281493.2, NM_001281494.2, NM_001406811.1 and 6 more transcripts); c.3832del, p.Ser1278fs (NM_001406795.1, NM_001406802.1); c.3736del, p.Ser1246fs (NM_001406796.1, NM_001406800.1, NM_001406808.1 and 1 more transcripts); c.3439del, p.Ser1147fs (NM_001406797.1, NM_001406801.1, NM_001406805.1 and 10 more transcripts); c.3562del, p.Ser1188fs (NM_001406798.1); c.3211del, p.Ser1071fs (NM_001406799.1, NM_001406806.1, NM_001406807.1); c.2872del, p.Ser958fs (NM_001406803.1); and 7 more; short protein forms S1071fs, S1116fs, S1147fs, S1188fs, S1190fs, S1220fs, S1246fs, S1248fs.
Identifiers: ClinVar variation 2583248 (VCV002583248.2), dbSNP rs2104542705, ClinGen allele CA2582342378.